The following is an entry in ClinVar:

ClinVar aggregate classification (germline): Uncertain significance. Review status: reviewed by expert panel (3 of 4 stars). 2 submissions from 2 submitters: Uncertain significance (1). 1 of the submissions does not count toward it. Last evaluated 2024-03-11.

Conditions:
Mitochondrial disease. Also called: Mitochondrial disorder; Mitochondrial disorders. Identifiers: Orphanet 68380, MedGen C0751651, MeSH D028361, MONDO:0044970.

Submissions (2):

ClinGen Mitochondrial Disease Nuclear and Mitochondrial  Variant Curation Expert Panel, ClinGen
Classification: Uncertain significance for Mitochondrial disease. Last evaluated: 2024-03-11. Review status: reviewed by expert panel. Criteria: clingen mito disease acmg specifications v1-1. Collection method: curation. Allele origin: germline. Inheritance: Mitochondrial inheritance.
Comment: The m.12283G>A variant in MT-TL2 has been reported in one individual with primary mitochondrial disease. The variant was present at 18% heteroplasmy in muscle and 4% in urine (PMID: 19853445). Of note, this individual also had maternally inherited HPRT-related renal failure and a demyelinating neuropathy related to a PMP22 duplication (PMID: 19853445). This variant is absent in the GenBank dataset, Helix dataset, and gnomAD v3.1.2 (PM2_supporting). Single fiber testing showed higher levels of the variant in COX-negative fibers (98%) than in COX-positive fibers (1.38%), p<0.001 (PS3_supporting, PMID: 19853445). Computational predictors are conflicting as MitoTIP predicts this variant to be benign (43.2%) and HmtVAR predicts it to be damaging (score of 1). In summary, this variant meets criteria to be classified as uncertain significance for primary mitochondrial disease inherited in a mitochondrial manner. This classification was approved by the NICHD/NINDS U24 ClinGen Mitochondrial Disease Variant Curation Expert Panel on March 11, 2024. Mitochondrial DNA-specific ACMG/AMP criteria applied (PMID: 32906214): PM2_supporting, PS3_supporting.

Mitochondrial Research Group, Newcastle University
Classification: Pathogenic for Mitochondrial disease. Last evaluated: 2017-05-22. Review status: no assertion criteria provided. Collection method: clinical testing. Allele origin: germline. Affected: yes. Observed: 1 variant allele. Not counted in ClinVar's aggregate classification.

Literature cited by the submitters: PubMed 19853445 (cited by ClinGen Mitochondrial Disease Nuclear and Mitochondrial  Variant Curation Expert Panel, ClinGen).

NC_012920.1(MT-TL2):m.12283G>A

Gene: MT-TL2 (mitochondrially encoded tRNA leucine 2 (CUN); plus strand).
Variant type: single nucleotide variant.
Genome position: chrM-12283-G-A.
Identifiers: ClinVar variation 430688 (VCV000430688.3), dbSNP rs1131692062, ClinGen allele CA645373344.